The following is an entry in ClinVar:

NM_001006658.3(CR2):c.2011C>T (p.Arg671Cys)

Gene: CR2 (complement C3d receptor 2; plus strand). Cytogenetic location: 1q32.2.
Variant type: single nucleotide variant.
Coding change: c.2011C>T on transcript NM_001006658.3 (MANE Select); coding-DNA position 2011, C replaced by T.
Protein change: p.Arg671Cys; replaces arginine 671 with cysteine.
Molecular consequence: missense variant. On other transcripts: intron variant (1).
Genome position (GRCh38, 1-based): chr1:207,473,577, C>T. VCF-style: chr1-207473577-C-T. GRCh37 (hg19) VCF-style: chr1-207646922-C-T.
Other names: c.1979-224C>T (NM_001877.5); short protein forms R671C.
Identifiers: ClinVar variation 1037260 (VCV001037260.6), dbSNP rs754283444, ClinGen allele CA1368863.
Genomic context (GRCh38, chr1:207,473,577, plus strand): 5'-TATTTATGTAGGGAGTTTTTCTCTTCAGGCTGCCAGTCACCTCCTGGGCTCCACCATGGT[C>T]GTCATACAGGTGGAAATACGGTCTTCTTTGTCTCTGGGATGACTGTAGACTACACTTGTG-3'
Protein context (NP_001006659.1, residues 661-681): CQSPPGLHHG[Arg671Cys]HTGGNTVFFV

ClinVar aggregate classification (germline): Uncertain significance (1 of 4 stars; one submission).

Conditions:
Immunodeficiency, common variable, 7. Identifiers: Orphanet 1572, Orphanet 696894, MedGen C3542922, MONDO:0013862, OMIM 614699.

Allele frequency attached by ClinVar (database versions not stated): ExAC 0.00001; gnomAD 0.00005 and 0.00006; TOPMed 0.00005; gnomAD exomes 0.00002.
gnomAD v4.1: 27 of 1,613,728 alleles (0.0017%); highest among the groups gnomAD compares: African/African-American, 0.004%; no homozygotes.

Submission:

Labcorp Genetics (formerly Invitae), Labcorp
Classification: Uncertain significance for Immunodeficiency, common variable, 7. Last evaluated: 2022-02-10. Review status: criteria provided, single submitter. Criteria: Invitae Variant Classification Sherloc (09022015). Collection method: clinical testing. Allele origin: germline.
Comment: This sequence change replaces arginine, which is basic and polar, with cysteine, which is neutral and slightly polar, at codon 671 of the CR2 protein (p.Arg671Cys). This variant is present in population databases (rs754283444, gnomAD 0.008%). This variant has not been reported in the literature in individuals affected with CR2-related conditions. ClinVar contains an entry for this variant (Variation ID: 1037260). Algorithms developed to predict the effect of missense changes on protein structure and function are either unavailable or do not agree on the potential impact of this missense change (SIFT: "Tolerated"; PolyPhen-2: "Probably Damaging"; Align-GVGD: "Class C0"). In summary, the available evidence is currently insufficient to determine the role of this variant in disease. Therefore, it has been classified as a Variant of Uncertain Significance.